The following is an entry in ClinVar:

NM_025243.4(SLC19A3):c.18T>A (p.Thr6=)

Gene: SLC19A3 (solute carrier family 19 member 3; minus strand). Cytogenetic location: 2q36.3.
Variant type: single nucleotide variant.
Coding change: c.18T>A on transcript NM_025243.4 (MANE Select); coding-DNA position 18, T replaced by A.
Protein change: p.Thr6=; no amino-acid change (threonine 6 retained).
Molecular consequence: synonymous variant.
Genome position (GRCh38, 1-based): chr2:227,702,301, A>T on the plus strand (T>A on the coding strand, the complement: SLC19A3 is on the minus strand). VCF-style: chr2-227702301-A-T. GRCh37 (hg19) VCF-style: chr2-228567017-A-T.
Identifiers: ClinVar variation 388633 (VCV000388633.24), dbSNP rs141093593, ClinGen allele CA2149418.
Genomic context (GRCh38, chr2:227,702,301, plus strand): 5'-GGAGAAAAAACCAAATAAGCAGAGGATCACAGTGGGGTAAATCCAGGAACTGCTTAGTGA[A>T]GTTCTGTAACAATCCATGGCTGATCAAATGGAAACAAAGAGAAAATTAAGTGATGCTTAT-3'
Protein context (NP_079519.1, residues 1-16): MDCYR[Thr6=]SLSSSWIYPT

ClinVar aggregate classification (germline): Benign/Likely benign. Review status: criteria provided, multiple submitters, no conflicts (2 of 4 stars). 7 submissions from 7 submitters: Benign (3); Likely benign (3). 1 of the submissions does not count toward it. Last evaluated 2026-02-02.

Conditions:
SLC19A3-related disorder. Also called: SLC19A3-related condition.
Biotin-responsive basal ganglia disease (BTBGD). Also called: Thiamine metabolism dysfunction syndrome 2 (biotin- or thiamine-responsive encephalopathy type 2); THIAMINE METABOLISM DYSFUNCTION SYNDROME 2 (BIOTIN- AND THIAMINE-RESPONSIVE TYPE); Thiamine metabolism dysfunction syndrome type 2; Thiamine Transporter-2 Deficiency; thiamine-responsive encephalopathy. Identifiers: Orphanet 199348, Orphanet 65284, MedGen C1843807, MONDO:0011841, OMIM 607483.

Allele frequency attached by ClinVar (database versions not stated): ESP Exome Variant Server 0.00015; gnomAD 0.00055 and 0.00078; gnomAD exomes 0.00062 and 0.00171; TOPMed 0.00120; ExAC 0.00173; 1000 Genomes Project 0.00319; 1000 Genomes Project 30x 0.00328.

Submissions (7):

Labcorp Genetics (formerly Invitae), Labcorp
Classification: Benign for Biotin-responsive basal ganglia disease. Last evaluated: 2026-02-02. Review status: criteria provided, single submitter. Criteria: Invitae Variant Classification Sherloc (09022015). Collection method: clinical testing. Allele origin: germline.

ARUP Laboratories, Molecular Genetics and Genomics, ARUP Laboratories
Classification: Benign for Biotin-responsive basal ganglia disease. Last evaluated: 2025-04-28. Review status: criteria provided, single submitter. Criteria: ARUP Molecular Germline Variant Investigation Process 2024. Collection method: clinical testing. Allele origin: germline.

Blueprint Genetics
Classification: Likely benign. Last evaluated: 2024-11-18. Review status: criteria provided, single submitter. Criteria: ACMG Guidelines, 2015. Collection method: clinical testing. Allele origin: germline.

GeneDx
Classification: Likely benign. Last evaluated: 2021-04-13. Review status: criteria provided, single submitter. Criteria: GeneDx Variant Classification Process June 2021. Collection method: clinical testing. Allele origin: germline. Affected: yes.

Illumina Laboratory Services, Illumina
Classification: Benign for Biotin-responsive basal ganglia disease. Last evaluated: 2017-04-27. Review status: criteria provided, single submitter. Criteria: ICSL Variant Classification Criteria 13 December 2019. Collection method: clinical testing. Allele origin: germline.
Comment: This variant was observed as part of a predisposition screen in an ostensibly healthy population. A literature search was performed for the gene, cDNA change, and amino acid change (where applicable). No publications were found based on this search. Allele frequency data from public databases was too high to be consistent with this variant causing disease. Therefore, this variant is classified as benign.

Breakthrough Genomics
Classification: Likely benign. Review status: criteria provided, single submitter. Criteria: ACMG Guidelines, 2015. Collection method: not provided. Allele origin: germline. Inheritance: Autosomal recessive inheritance. Affected: yes.

PreventionGenetics, part of Exact Sciences
Classification: Benign for SLC19A3-related condition. Last evaluated: 2020-05-05. Review status: no assertion criteria provided. Collection method: clinical testing. Allele origin: germline. Not counted in ClinVar's aggregate classification.
Comment: This variant is classified as benign based on ACMG/AMP sequence variant interpretation guidelines (Richards et al. 2015 PMID: 25741868, with internal and published modifications).